The following is an entry in ClinVar:

ClinVar aggregate classification (germline): Uncertain significance. Review status: criteria provided, multiple submitters, no conflicts (2 of 4 stars). 6 submissions from 6 submitters: Uncertain significance (6). Last evaluated 2026-06-01.

Conditions:
Nemaline myopathy 2 (NEM2). Also called: Nemaline myopathy 2, autosomal recessive. Identifiers: MedGen C1850569, MONDO:0009725, OMIM 256030.
Inborn genetic diseases. Identifiers: MedGen C0950123, MeSH D030342.

Allele frequency attached by ClinVar (database versions not stated): gnomAD exomes 0.00002 and 0.00006; ExAC 0.00006; ESP Exome Variant Server 0.00008; TOPMed 0.00009; gnomAD 0.00010 and 0.00011.
gnomAD v4.1: 52 of 1,613,592 alleles (0.0032%); highest among the groups gnomAD compares: Middle Eastern, 0.049%; no homozygotes.

Submissions (6):

CeGaT Center for Human Genetics Tuebingen
Classification: Uncertain significance. Last evaluated: 2026-06-01. Review status: criteria provided, single submitter. Criteria: CeGaT Center For Human Genetics Tuebingen Variant Classification Criteria Version 2. Collection method: clinical testing. Allele origin: germline. Affected: yes. Observed: 1 variant allele.
Comment: NEB: PM2

GeneDx
Classification: Uncertain significance. Last evaluated: 2026-04-04. Review status: criteria provided, single submitter. Criteria: GeneDx Variant Classification Process June 2021. Collection method: clinical testing. Allele origin: germline.
Comment: In silico analysis supports that this missense variant has a deleterious effect on protein structure/function; Has not been previously published as pathogenic or benign to our knowledge

Ambry Genetics
Classification: Uncertain significance for Inborn genetic diseases. Last evaluated: 2025-10-07. Review status: criteria provided, single submitter. Criteria: Ambry Variant Classification Scheme 2023. Collection method: clinical testing. Allele origin: germline.

Labcorp Genetics (formerly Invitae), Labcorp
Classification: Uncertain significance for Nemaline myopathy 2. Last evaluated: 2024-12-02. Review status: criteria provided, single submitter. Criteria: Invitae Variant Classification Sherloc (09022015). Collection method: clinical testing. Allele origin: germline.
Comment: This sequence change replaces arginine, which is basic and polar, with histidine, which is basic and polar, at codon 3285 of the NEB protein (p.Arg3285His). This variant is present in population databases (rs376932516, gnomAD 0.02%). This variant has not been reported in the literature in individuals affected with NEB-related conditions. ClinVar contains an entry for this variant (Variation ID: 1163218). Experimental studies and prediction algorithms are not available or were not evaluated, and the functional significance of this variant is currently unknown. In summary, the available evidence is currently insufficient to determine the role of this variant in disease. Therefore, it has been classified as a Variant of Uncertain Significance.

Mayo Clinic Laboratories, Mayo Clinic
Classification: Uncertain significance. Last evaluated: 2020-09-08. Review status: criteria provided, single submitter. Criteria: ACMG Guidelines, 2015. Collection method: clinical testing. Allele origin: germline. Observed: 1 variant allele.

Revvity Omics, Revvity
Classification: Uncertain significance. Last evaluated: 2019-05-03. Review status: criteria provided, single submitter. Criteria: ACMG Guidelines, 2015. Collection method: clinical testing. Allele origin: germline.

NM_001164508.2(NEB):c.9854G>A (p.Arg3285His)

Gene: NEB (nebulin; minus strand). Cytogenetic location: 2q23.3.
Variant type: single nucleotide variant.
Coding change: c.9854G>A on transcript NM_001164508.2 (MANE Select); coding-DNA position 9854, G replaced by A.
Protein change: p.Arg3285His; replaces arginine 3285 with histidine.
Molecular consequence: missense variant.
Genome position (GRCh38, 1-based): chr2:151,627,812, C>T on the plus strand (G>A on the coding strand, the complement: NEB is on the minus strand). VCF-style: chr2-151627812-C-T. GRCh37 (hg19) VCF-style: chr2-152484326-C-T.
Other names: c.9854G>A, p.Arg3285His (NM_001164507.2, NM_001271208.2); c.9125G>A, p.Arg3042His (NM_004543.5); c.9854G>A (NM_001271208.1); short protein forms R3042H, R3285H.
Identifiers: ClinVar variation 1163218 (VCV001163218.15), dbSNP rs376932516, ClinGen allele CA1909176.